The following is an entry in ClinVar:

ClinVar aggregate classification (germline): Pathogenic. Review status: criteria provided, single submitter (1 of 4 stars). 3 submissions from 3 submitters: Pathogenic (1). 2 of the submissions do not count toward it. Last evaluated 2025-09-26.

Conditions:
Hemolytic uremic syndrome, atypical, susceptibility to, 7. Also called: AHUS, SUSCEPTIBILITY TO, 7. Identifiers: MedGen C3808620, MONDO:0100590.
Atypical hemolytic-uremic syndrome. Identifiers: Orphanet 2134, MedGen C2931788, MONDO:0016244.

Submissions (3):

Genomenon, Inc
Classification: Pathogenic for Atypical hemolytic-uremic syndrome. Last evaluated: 2025-09-26. Review status: criteria provided, single submitter. Criteria: Genomenon Sequence Variant Interpretation Standards - Updated. Collection method: curation. Allele origin: germline. Affected: yes.
Comment: DGKE p.Val163SerfsTer3 (c.486dup) is a frameshift variant that results in the production of a truncated protein which is predicted to undergo nonsense-mediated mRNA decay. This variant has been observed in at least one proband affected with atypical hemolytic-uremic syndrome (PMID:23542698). The variant was found to segregate with disease in at least one affected family (PMID:23542698). It is absent or not present at a significant frequency in gnomAD. In conclusion, we classify DGKE p.Val163SerfsTer3 (c.486insA) as a pathogenic variant.

OMIM
Classification: risk factor for HEMOLYTIC UREMIC SYNDROME, ATYPICAL, SUSCEPTIBILITY TO, 7. Last evaluated: 2013-05-01. Review status: no assertion criteria provided. Collection method: literature only. Allele origin: germline. Not counted in ClinVar's aggregate classification.

Richard Lifton Laboratory, Yale University School of Medicine
Classification: Likely pathogenic for Atypical hemolytic uremic syndrome. Review status: no assertion criteria provided. Collection method: not provided. Allele origin: germline. Not counted in ClinVar's aggregate classification.
Comment: Autosomal recessive variant
ClinVar note: Converted during submission from probable-pathogenic to Likely pathogenic.

Literature cited by the submitters: PubMed 23542698 (cited by Genomenon, Inc and OMIM); PubMed 24747643 (cited by Richard Lifton Laboratory, Yale University School of Medicine).

NM_003647.3(DGKE):c.486dup (p.Val163fs)

Gene: DGKE (diacylglycerol kinase epsilon; plus strand). Cytogenetic location: 17q22.
Variant type: Duplication.
Coding change: c.486dup on transcript NM_003647.3 (MANE Select); coding-DNA position 486, one base duplicated (A; older notation c.486dupA).
Protein change: p.Val163fs; shifts the reading frame from valine 163.
Molecular consequence: frameshift variant.
Genome position (GRCh38, 1-based): chr17:56,844,040, A duplicated. VCF-style (leftmost placement, unchanged base first): chr17-56844039-C-CA. GRCh37 (hg19) VCF-style: chr17-54921400-C-CA.
Other names: short protein forms V163fs.
Identifiers: ClinVar variation 135639 (VCV000135639.3), dbSNP rs312262699, ClinGen allele CA332173.